The following is an entry in ClinVar:

ClinVar aggregate classification (germline): Uncertain significance. Review status: criteria provided, multiple submitters, no conflicts (2 of 4 stars). 4 submissions from 4 submitters: Uncertain significance (4). Last evaluated 2026-05-28.

Conditions:
PDE6B-related disorder. Also called: PDE6B-related disorders; PDE6B-related disease; PDE6B-related condition.
Inborn genetic diseases. Identifiers: MedGen C0950123, MeSH D030342.

Allele frequency attached by ClinVar (database versions not stated): gnomAD exomes 0.00002 and 0.00007; gnomAD 0.00003 and 0.00004; TOPMed 0.00004; ESP Exome Variant Server 0.00008.
gnomAD v4.1: 114 of 1,613,046 alleles (0.0071%); highest among the groups gnomAD compares: Non-Finnish European, 0.0089%; no homozygotes.

Submissions (4):

PreventionGenetics, part of Exact Sciences
Classification: Uncertain significance for PDE6B-related condition. Last evaluated: 2026-05-28. Review status: criteria provided, single submitter. Criteria: ACMG Guidelines, 2015. Collection method: clinical testing. Allele origin: germline.
Comment: The PDE6B c.193G>T variant is predicted to result in the amino acid substitution p.Asp65Tyr. To our knowledge, this variant has not been reported in the literature. This variant is reported in 0.0062% of alleles in individuals of African descent in gnomAD. At this time, the clinical significance of this variant is uncertain due to the absence of conclusive functional and genetic evidence.

Labcorp Genetics (formerly Invitae), Labcorp
Classification: Uncertain significance. Last evaluated: 2024-10-17. Review status: criteria provided, single submitter. Criteria: Invitae Variant Classification Sherloc (09022015). Collection method: clinical testing. Allele origin: germline.
Comment: This sequence change replaces aspartic acid, which is acidic and polar, with tyrosine, which is neutral and polar, at codon 65 of the PDE6B protein (p.Asp65Tyr). This variant is present in population databases (rs377415525, gnomAD 0.007%). This variant has not been reported in the literature in individuals affected with PDE6B-related conditions. ClinVar contains an entry for this variant (Variation ID: 935703). Invitae Evidence Modeling of protein sequence and biophysical properties (such as structural, functional, and spatial information, amino acid conservation, physicochemical variation, residue mobility, and thermodynamic stability) has been performed for this missense variant. However, the output from this modeling did not meet the statistical confidence thresholds required to predict the impact of this variant on PDE6B protein function. In summary, the available evidence is currently insufficient to determine the role of this variant in disease. Therefore, it has been classified as a Variant of Uncertain Significance.

Ambry Genetics
Classification: Uncertain significance for Inborn genetic diseases. Last evaluated: 2024-09-10. Review status: criteria provided, single submitter. Criteria: Ambry Variant Classification Scheme 2023. Collection method: clinical testing. Allele origin: germline.

Blueprint Genetics
Classification: Uncertain significance. Last evaluated: 2021-10-08. Review status: criteria provided, single submitter. Criteria: ACMG Guidelines, 2015. Collection method: clinical testing. Allele origin: germline.

NM_000283.4(PDE6B):c.193G>T (p.Asp65Tyr)

Gene: PDE6B (phosphodiesterase 6B; plus strand). Cytogenetic location: 4p16.3.
Variant type: single nucleotide variant.
Coding change: c.193G>T on transcript NM_000283.4 (MANE Select); coding-DNA position 193, G replaced by T.
Protein change: p.Asp65Tyr; replaces aspartic acid 65 with tyrosine.
Molecular consequence: missense variant.
Genome position (GRCh38, 1-based): chr4:625,819, G>T. VCF-style: chr4-625819-G-T. GRCh37 (hg19) VCF-style: chr4-619608-G-T.
Other names: c.193G>T, p.Asp65Tyr (NM_001145291.2); short protein forms D65Y.
Identifiers: ClinVar variation 935703 (VCV000935703.12), dbSNP rs377415525, ClinGen allele CA91052006.